The following is an entry in ClinVar:

NM_004415.4(DSP):c.8167G>A (p.Gly2723Ser)

Gene: DSP (desmoplakin; plus strand). Cytogenetic location: 6p24.3.
Variant type: single nucleotide variant.
Coding change: c.8167G>A on transcript NM_004415.4 (MANE Select); coding-DNA position 8167, G replaced by A.
Protein change: p.Gly2723Ser; replaces glycine 2723 with serine.
Molecular consequence: missense variant.
Genome position (GRCh38, 1-based): chr6:7,585,429, G>A. VCF-style: chr6-7585429-G-A. GRCh37 (hg19) VCF-style: chr6-7585662-G-A.
Other names: c.6370G>A, p.Gly2124Ser (NM_001008844.3); c.6838G>A, p.Gly2280Ser (NM_001319034.2); short protein forms G2723S, G2124S, G2280S.
Identifiers: ClinVar variation 4786404 (VCV004786404.1).

ClinVar aggregate classification (germline): Uncertain significance (1 of 4 stars; one submission).

Conditions:
Arrhythmogenic cardiomyopathy with wooly hair and keratoderma. Also called: Carvajal syndrome; PALMOPLANTAR KERATODERMA WITH LEFT VENTRICULAR CARDIOMYOPATHY AND WOOLLY HAIR; Dilated cardiomyopathy with woolly hair and keratoderma; Arrhythmogenic cardiomyopathy with woolly hair and keratoderma. Identifiers: Orphanet 65282, MedGen C1854063, MONDO:0011581, OMIM 605676.
Arrhythmogenic right ventricular dysplasia 8 (ARVD8). Also called: Arrhythmogenic Right Ventricular Dysplasia/Cardiomyopathy 8; ARRHYTHMOGENIC RIGHT VENTRICULAR DYSPLASIA, FAMILIAL, 8; ARRHYTHMOGENIC RIGHT VENTRICULAR CARDIOMYOPATHY 8. Identifiers: MedGen C1843896, MONDO:0011831, OMIM 607450.

gnomAD v4.1: 1 of 1,614,154 alleles (0.000062%); highest among the groups gnomAD compares: Non-Finnish European, 0.000085%; no homozygotes.

Submission:

Labcorp Genetics (formerly Invitae), Labcorp
Classification: Uncertain significance for Arrhythmogenic cardiomyopathy with wooly hair and keratoderma; Arrhythmogenic right ventricular dysplasia 8. Last evaluated: 2025-10-18. Review status: criteria provided, single submitter. Criteria: Invitae Variant Classification Sherloc (09022015). Collection method: clinical testing. Allele origin: germline.
Comment: This sequence change replaces glycine, which is neutral and non-polar, with serine, which is neutral and polar, at codon 2723 of the DSP protein (p.Gly2723Ser). This variant is not present in population databases (gnomAD no frequency). This variant has not been reported in the literature in individuals affected with DSP-related conditions. An algorithm developed to predict the effect of missense changes on protein structure and function (PolyPhen-2) suggests that this variant is likely to be disruptive. In summary, the available evidence is currently insufficient to determine the role of this variant in disease. Therefore, it has been classified as a Variant of Uncertain Significance.